The following is an entry in ClinVar:

ClinVar aggregate classification (germline): Conflicting classifications of pathogenicity. Review status: criteria provided, conflicting classifications (1 of 4 stars). 5 submissions from 5 submitters: Uncertain significance (2); Likely benign (2). 1 of the submissions does not count toward it. Last evaluated 2026-01-11.

Conditions:
Dyskeratosis congenita, autosomal recessive 6 (DKCB6). Identifiers: MedGen C4225356, MONDO:0014600, OMIM 616353.
Pulmonary fibrosis and/or bone marrow failure, Telomere-related, 4. Also called: PULMONARY FIBROSIS AND/OR BONE MARROW FAILURE SYNDROME, TELOMERE-RELATED, 4. Identifiers: Orphanet 2032, MedGen C4225347, MONDO:0014612, OMIM 616371.
Pulmonary fibrosis. Identifiers: MedGen C0034069, MONDO:0002771, HP:0002206.
Familial Interstitial Pneumonia.

Allele frequency attached by ClinVar (database versions not stated): ExAC 0.00003; gnomAD 0.00006 and 0.00007; TOPMed 0.00009.
gnomAD v4.1: 204 of 1,606,484 alleles (0.013%); highest among the groups gnomAD compares: Middle Eastern, 0.016%; no homozygotes.

Submissions (5):

Labcorp Genetics (formerly Invitae), Labcorp
Classification: Uncertain significance for Dyskeratosis congenita, autosomal recessive 6; Pulmonary fibrosis and/or bone marrow failure, Telomere-related, 4. Last evaluated: 2026-01-11. Review status: criteria provided, single submitter. Criteria: Invitae Variant Classification Sherloc (09022015). Collection method: clinical testing. Allele origin: germline.
Comment: This sequence change falls in intron 15 of the PARN gene. It does not directly change the encoded amino acid sequence of the PARN protein. This variant is present in population databases (rs746114163, gnomAD 0.008%). This variant has been observed in individual(s) with pulmonary fibrosis (PMID: 28414520). ClinVar contains an entry for this variant (Variation ID: 834034). Algorithms developed to predict the effect of sequence changes on RNA splicing suggest that this variant is not likely to affect RNA splicing. In summary, the available evidence is currently insufficient to determine the role of this variant in disease. Therefore, it has been classified as a Variant of Uncertain Significance.

Blueprint Genetics
Classification: Likely benign. Last evaluated: 2024-10-29. Review status: criteria provided, single submitter. Criteria: ACMG Guidelines, 2015. Collection method: clinical testing. Allele origin: germline.

ARUP Laboratories, Molecular Genetics and Genomics, ARUP Laboratories
Classification: Likely benign. Last evaluated: 2024-07-16. Review status: criteria provided, single submitter. Criteria: ARUP Molecular Germline Variant Investigation Process 2024. Collection method: clinical testing. Allele origin: germline.

Fulgent Genetics
Classification: Uncertain significance for Dyskeratosis congenita, autosomal recessive 6; Pulmonary fibrosis and/or bone marrow failure, Telomere-related, 4. Last evaluated: 2022-05-03. Review status: criteria provided, single submitter. Criteria: ACMG Guidelines, 2015. Collection method: clinical testing. Allele origin: unknown.

University of Washington Center for Mendelian Genomics, University of Washington
Classification: Uncertain significance for Pulmonary Fibrosis; Familial Interstitial Pneumonia. Review status: no assertion criteria provided. Collection method: research. Allele origin: inherited. Affected: yes. Not counted in ClinVar's aggregate classification.

Literature cited by the submitters: PubMed 28414520 (cited by Labcorp Genetics (formerly Invitae), Labcorp and University of Washington Center for Mendelian Genomics, University of Washington).

NM_002582.4(PARN):c.1006-11G>A

Gene: PARN (poly(A)-specific ribonuclease; minus strand). Cytogenetic location: 16p13.12.
Variant type: single nucleotide variant.
Coding change: c.1006-11G>A on transcript NM_002582.4 (MANE Select); 11 bases into the intron before coding-DNA position 1006, G replaced by A.
Molecular consequence: intron variant.
Genome position (GRCh38, 1-based): chr16:14,584,433, C>T on the plus strand (G>A on the coding strand, the complement: PARN is on the minus strand). VCF-style: chr16-14584433-C-T. GRCh37 (hg19) VCF-style: chr16-14678290-C-T.
Other names: c.1006-11G>A (NM_002582.3); c.823-11G>A (NM_001134477.3); c.868-11G>A (NM_001242992.2).
Identifiers: ClinVar variation 834034 (VCV000834034.12), dbSNP rs746114163, ClinGen allele CA7912192.